The following is an entry in ClinVar:

ClinVar aggregate classification (germline): Uncertain significance (1 of 4 stars; one submission).

Conditions:
Distal hereditary motor neuropathy type 2. Identifiers: Orphanet 139525, MedGen C3711384, MeSH C580044, MONDO:0015352.

Submission:

Labcorp Genetics (formerly Invitae), Labcorp
Classification: Uncertain significance for Distal hereditary motor neuropathy type 2. Last evaluated: 2024-12-02. Review status: criteria provided, single submitter. Criteria: Invitae Variant Classification Sherloc (09022015). Collection method: clinical testing. Allele origin: germline.
Comment: This sequence change replaces glycine, which is neutral and non-polar, with arginine, which is basic and polar, at codon 630 of the FBXO38 protein (p.Gly630Arg). This variant is not present in population databases (gnomAD no frequency). This variant has not been reported in the literature in individuals affected with FBXO38-related conditions. Invitae Evidence Modeling of protein sequence and biophysical properties (such as structural, functional, and spatial information, amino acid conservation, physicochemical variation, residue mobility, and thermodynamic stability) indicates that this missense variant is not expected to disrupt FBXO38 protein function with a negative predictive value of 80%. In summary, the available evidence is currently insufficient to determine the role of this variant in disease. Therefore, it has been classified as a Variant of Uncertain Significance.

NM_205836.3(FBXO38):c.1888G>A (p.Gly630Arg)

Gene: FBXO38 (F-box protein 38; plus strand). Cytogenetic location: 5q32.
Variant type: single nucleotide variant.
Coding change: c.1888G>A on transcript NM_205836.3 (MANE Select); coding-DNA position 1888, G replaced by A.
Protein change: p.Gly630Arg; replaces glycine 630 with arginine.
Molecular consequence: missense variant.
Genome position (GRCh38, 1-based): chr5:148,425,671, G>A. VCF-style: chr5-148425671-G-A. GRCh37 (hg19) VCF-style: chr5-147805234-G-A.
Other names: c.1888G>A, p.Gly630Arg (NM_001271723.2, NM_030793.5); short protein forms G630R.
Identifiers: ClinVar variation 3717835 (VCV003717835.2).